The following is an entry in ClinVar:

NM_138694.4(PKHD1):c.10870A>G (p.Thr3624Ala)

Gene: PKHD1 (PKHD1 ciliary IPT domain containing fibrocystin/polyductin; minus strand). Cytogenetic location: 6p12.3.
Variant type: single nucleotide variant.
Coding change: c.10870A>G on transcript NM_138694.4 (MANE Select); coding-DNA position 10870, A replaced by G.
Protein change: p.Thr3624Ala; replaces threonine 3624 with alanine.
Molecular consequence: missense variant.
Genome position (GRCh38, 1-based): chr6:51,659,256, T>C on the plus strand (A>G on the coding strand, the complement: PKHD1 is on the minus strand). VCF-style: chr6-51659256-T-C. GRCh37 (hg19) VCF-style: chr6-51524054-T-C.
Other names: c.10870A>G (NM_138694.3); short protein forms T3624A.
Identifiers: ClinVar variation 2199904 (VCV002199904.4), dbSNP rs533623441, ClinGen allele CA138897061.

ClinVar aggregate classification (germline): Uncertain significance. Review status: criteria provided, multiple submitters, no conflicts (2 of 4 stars). 3 submissions from 3 submitters: Uncertain significance (3). Last evaluated 2026-04-06.

Conditions:
Autosomal recessive polycystic kidney disease (ARPKD). Also called: AR polycystic kidney disease. Identifiers: Orphanet 731, Orphanet 8378, MedGen C0085548, MeSH D017044, MONDO:0009889.
Inborn genetic diseases. Identifiers: MedGen C0950123, MeSH D030342.

Allele frequency attached by ClinVar (database versions not stated): gnomAD exomes below 0.00001; gnomAD 0.00002; TOPMed 0.00002.
gnomAD v4.1: 9 of 1,613,880 alleles (0.00056%); highest among the groups gnomAD compares: African/African-American, 0.008%; no homozygotes.

Submissions (3):

GeneDx
Classification: Uncertain significance. Last evaluated: 2026-04-06. Review status: criteria provided, single submitter. Criteria: GeneDx Variant Classification Process June 2021. Collection method: clinical testing. Allele origin: germline.
Comment: Not observed at significant frequency in large population cohorts (gnomAD); In silico analysis suggests that this missense variant does not alter protein structure/function; Has not been previously published as pathogenic or benign to our knowledge

Ambry Genetics
Classification: Uncertain significance for Inborn genetic diseases. Last evaluated: 2024-01-16. Review status: criteria provided, single submitter. Criteria: Ambry Variant Classification Scheme 2023. Collection method: clinical testing. Allele origin: germline.

Labcorp Genetics (formerly Invitae), Labcorp
Classification: Uncertain significance for Autosomal recessive polycystic kidney disease. Last evaluated: 2021-09-02. Review status: criteria provided, single submitter. Criteria: Invitae Variant Classification Sherloc (09022015). Collection method: clinical testing. Allele origin: germline.
Comment: This sequence change replaces threonine with alanine at codon 3624 of the PKHD1 protein (p.Thr3624Ala). The threonine residue is weakly conserved and there is a small physicochemical difference between threonine and alanine. This variant is not present in population databases (ExAC no frequency). This variant has not been reported in the literature in individuals affected with PKHD1-related conditions. Algorithms developed to predict the effect of missense changes on protein structure and function (SIFT, PolyPhen-2, Align-GVGD) all suggest that this variant is likely to be tolerated. In summary, the available evidence is currently insufficient to determine the role of this variant in disease. Therefore, it has been classified as a Variant of Uncertain Significance.